The following is an entry in ClinVar:

NM_001267550.2(TTN):c.107961T>C (p.His35987=)

Genes: TTN (titin; minus strand), TTN-AS1 (TTN antisense RNA 1; plus strand). Cytogenetic location: 2q31.2.
Variant type: single nucleotide variant.
Coding change: c.107961T>C on transcript NM_001267550.2 (MANE Select); coding-DNA position 107961, T replaced by C.
Protein change: p.His35987=; no amino-acid change (histidine 35987 retained).
Molecular consequence: synonymous variant.
Genome position (GRCh38, 1-based): chr2:178,527,027, A>G on the plus strand (T>C on the coding strand, the complement: TTN is on the minus strand). VCF-style: chr2-178527027-A-G. GRCh37 (hg19) VCF-style: chr2-179391754-A-G.
Other names: p.H34346H:CAT>CAC; c.103038T>C, p.His34346= (NM_001256850.1); c.80766T>C, p.His26922= (NM_003319.4); c.100257T>C, p.His33419= (NM_133378.4); c.81141T>C, p.His27047= (NM_133432.3); c.81342T>C, p.His27114= (NM_133437.4).
Identifiers: ClinVar variation 178150 (VCV000178150.74), dbSNP rs377439315, ClinGen allele CA295714.

ClinVar aggregate classification (germline): Conflicting classifications of pathogenicity. Review status: criteria provided, conflicting classifications (1 of 4 stars). 21 submissions from 17 submitters: Uncertain significance (3); Benign (6); Likely benign (6). 6 of the submissions do not count toward it. Last evaluated 2026-09-01.

Conditions:
Cardiovascular phenotype. Identifiers: MedGen CN230736.
Dilated cardiomyopathy 1G (CMD1G). Identifiers: Orphanet 154, MedGen C1858763, MONDO:0011400, OMIM 604145.
Autosomal recessive limb-girdle muscular dystrophy type 2J (LGMDR10). Also called: MUSCULAR DYSTROPHY, LIMB-GIRDLE, AUTOSOMAL RECESSIVE 10; Limb-girdle muscular dystrophy, type 2J. Identifiers: Orphanet 140922, MedGen C1837342, MONDO:0012127, OMIM 608807.
Cardiomyopathy (CMYO). Also called: Cardiomyopathies. Identifiers: Orphanet 167848, MedGen C0878544, MONDO:0004994, HP:0001638. Inheritance: Various modes of inheritance.
Early-onset myopathy with fatal cardiomyopathy (CMYO5). Also called: CONGENITAL MYOPATHY 5 WITH CARDIOMYOPATHY; Salih Myopathy. Identifiers: Orphanet 289377, MedGen C2673677, MONDO:0012714, OMIM 611705. Disease mechanism: loss of function.
Myopathy, myofibrillar, 9, with early respiratory failure (MFM9). Also called: Hereditary myopathy with early respiratory failure; EDSTROM MYOPATHY; Myopathy, distal, with early respiratory failure, autosomal dominant; MYOPATHY, PROXIMAL, WITH EARLY RESPIRATORY MUSCLE INVOLVEMENT. Identifiers: Orphanet 178464, Orphanet 34521, MedGen C1863599, MONDO:0011362, OMIM 603689.
Tibial muscular dystrophy (TMD). Also called: Udd Distal Myopathy – Tibial Muscular Dystrophy; Tibial muscular dystrophy, tardive; UDD MYOPATHY. Identifiers: Orphanet 609, MedGen C1838244, MONDO:0010870, OMIM 600334.

Allele frequency attached by ClinVar (database versions not stated): gnomAD exomes 0.00126 and 0.00069; ESP Exome Variant Server 0.00083; gnomAD 0.00094 and 0.00096; 1000 Genomes Project 30x 0.00031; 1000 Genomes Project 0.00040; ExAC 0.00063; TOPMed 0.00082.
gnomAD v4.1: 1,975 of 1,613,024 alleles (0.12%); highest among the groups gnomAD compares: Non-Finnish European, 0.16%; 3 homozygotes.

Submissions (21):

CeGaT Center for Human Genetics Tuebingen
Classification: Likely benign. Last evaluated: 2026-09-01. Review status: criteria provided, single submitter. Criteria: CeGaT Center For Human Genetics Tuebingen Variant Classification Criteria Version 2. Collection method: clinical testing. Allele origin: germline. Affected: yes. Observed: 12 variant alleles.
Comment: TTN: BP4, BP7

Labcorp Genetics (formerly Invitae), Labcorp
Classification: Benign for Dilated cardiomyopathy 1G; Autosomal recessive limb-girdle muscular dystrophy type 2J. Last evaluated: 2026-01-31. Review status: criteria provided, single submitter. Criteria: Invitae Variant Classification Sherloc (09022015). Collection method: clinical testing. Allele origin: germline.

Molecular Diagnostic Laboratory for Inherited Cardiovascular Disease, Montreal Heart Institute
Classification: Likely benign. Last evaluated: 2025-04-09. Review status: criteria provided, single submitter. Criteria: ACMG Guidelines, 2015. Collection method: clinical testing. Allele origin: germline. Affected: no.

Blueprint Genetics
Classification: Likely benign. Last evaluated: 2024-11-14. Review status: criteria provided, single submitter. Criteria: ACMG Guidelines, 2015. Collection method: clinical testing. Allele origin: germline.

Women's Health and Genetics/Laboratory Corporation of America, LabCorp
Classification: Benign. Last evaluated: 2019-10-30. Review status: criteria provided, single submitter. Criteria: LabCorp Variant Classification Summary - May 2015. Collection method: clinical testing. Allele origin: germline.
Comment: Variant summary: TTN c.100257T>C alters a non-conserved nucleotide resulting in a synonymous change. 5/5 computational tools predict no significant impact on normal splicing. However, these predictions have yet to be confirmed by functional studies. The variant allele was found at a frequency of 0.00069 in 248048 control chromosomes, predominantly at a frequency of 0.0013 within the Non-Finnish European subpopulation in the gnomAD database. The observed variant frequency within Non-Finnish European control individuals in the gnomAD database is approximately 2- fold the estimated maximal expected allele frequency for a pathogenic variant in TTN causing Cardiomyopathy phenotype (0.0013 vs.0.00063), strongly suggesting that the variant is a benign polymorphism found primarily in populations of Non-Finnish European origin. To our knowledge, no occurrence of c.100257T>C in individuals affected with Cardiomyopathy and no experimental evidence demonstrating an impact on protein function have been reported. Five clinical diagnostic laboratories have submitted clinical-significance assessments for this variant to ClinVar after 2014 without evidence for independent evaluation: Two laboratories cited the variant as benign, two cited the variant as likely benign, and one cited the variant as uncertain significance. Based on the evidence outlined above, the variant was classified as benign.

Illumina Laboratory Services, Illumina
Classification: Uncertain significance for Early-onset myopathy with fatal cardiomyopathy. Last evaluated: 2018-01-13. Review status: criteria provided, single submitter. Criteria: ICSL Variant Classification Criteria 13 December 2019. Collection method: clinical testing. Allele origin: germline.

Illumina Laboratory Services, Illumina
Classification: Benign for Tibial muscular dystrophy. Last evaluated: 2018-01-13. Review status: criteria provided, single submitter. Criteria: ICSL Variant Classification Criteria 13 December 2019. Collection method: clinical testing. Allele origin: germline.
Comment: This variant was observed in the ICSL laboratory as part of a predisposition screen in an ostensibly healthy population. It had not been previously curated by ICSL or reported in the Human Gene Mutation Database (HGMD: prior to June 1st, 2018), and was therefore a candidate for classification through an automated scoring system. Utilizing variant allele frequency, disease prevalence and penetrance estimates, and inheritance mode, an automated score was calculated to assess if this variant is too frequent to cause the disease. Based on the score and internal cut-off values, a variant classified as benign is not then subjected to further curation. The score for this variant resulted in a classification of benign for this disease.

Illumina Laboratory Services, Illumina
Classification: Uncertain significance for Dilated cardiomyopathy 1G. Last evaluated: 2018-01-13. Review status: criteria provided, single submitter. Criteria: ICSL Variant Classification Criteria 13 December 2019. Collection method: clinical testing. Allele origin: germline.

Illumina Laboratory Services, Illumina
Classification: Benign for Myopathy, myofibrillar, 9, with early respiratory failure. Last evaluated: 2018-01-13. Review status: criteria provided, single submitter. Criteria: ICSL Variant Classification Criteria 13 December 2019. Collection method: clinical testing. Allele origin: germline.
Comment: the same text as in the submission from Illumina Laboratory Services, Illumina above.

Illumina Laboratory Services, Illumina
Classification: Uncertain significance for Autosomal recessive limb-girdle muscular dystrophy type 2J. Last evaluated: 2018-01-13. Review status: criteria provided, single submitter. Criteria: ICSL Variant Classification Criteria 13 December 2019. Collection method: clinical testing. Allele origin: germline.

CHEO Genetics Diagnostic Laboratory, Children's Hospital of Eastern Ontario
Classification: Benign for Cardiomyopathy. Last evaluated: 2017-10-31. Review status: criteria provided, single submitter. Criteria: ACMG Guidelines, 2015. Collection method: clinical testing. Allele origin: germline.

Eurofins Ntd Llc (ga)
Classification: Likely benign. Last evaluated: 2015-10-05. Review status: criteria provided, single submitter. Criteria: EGL Classification Definitions 2015. Collection method: clinical testing. Allele origin: germline. Observed: 2 variant alleles, 2 heterozygotes.

Laboratory for Molecular Medicine, Mass General Brigham Personalized Medicine
Classification: Likely benign. Last evaluated: 2015-06-30. Review status: criteria provided, single submitter. Criteria: LMM Criteria. Collection method: clinical testing. Allele origin: germline. Observed: 5 variant alleles.
Comment: p.His33419His in exon 312 of TTN: This variant is not expected to have clinical significance because it does not alter an amino acid residue and is not located within the splice consensus sequence. It has been identified in 0.1% (63/61610) of European chromosomes by the Exome Aggregation Consortium (ExAC; dbSNP rs377439315).

GeneDx
Classification: Benign. Last evaluated: 2014-08-27. Review status: criteria provided, single submitter. Criteria: GeneDx Variant Classification (06012015). Collection method: clinical testing. Allele origin: germline. Affected: yes.
Comment: This variant is considered likely benign or benign based on one or more of the following criteria: it is a conservative change, it occurs at a poorly conserved position in the protein, it is predicted to be benign by multiple in silico algorithms, and/or has population frequency not consistent with disease.

Ambry Genetics
Classification: Likely benign for Cardiovascular phenotype. Last evaluated: 2013-05-14. Review status: criteria provided, single submitter. Criteria: Ambry Autosomal Dominant and X-Linked criteria (10/2015). Collection method: clinical testing. Allele origin: germline. Observed: 1 variant allele.

Clinical Genetics DNA and cytogenetics Diagnostics Lab, Erasmus MC, Erasmus Medical Center
Classification: Likely benign. Review status: no assertion criteria provided. Collection method: clinical testing. Allele origin: germline. Affected: yes. Study: VKGL Data-share Consensus. Not counted in ClinVar's aggregate classification.

Clinical Genetics, Academic Medical Center
Classification: Benign. Review status: no assertion criteria provided. Collection method: clinical testing. Allele origin: germline. Affected: yes. Study: VKGL Data-share Consensus. Not counted in ClinVar's aggregate classification.

Diagnostic Laboratory, Department of Genetics, University Medical Center Groningen
Classification: Likely benign. Review status: no assertion criteria provided. Collection method: clinical testing. Allele origin: germline. Affected: yes. Study: VKGL Data-share Consensus. Not counted in ClinVar's aggregate classification.

Genome Diagnostics Laboratory, University Medical Center Utrecht
Classification: Likely benign. Review status: no assertion criteria provided. Collection method: clinical testing. Allele origin: germline. Affected: yes. Study: VKGL Data-share Consensus. Not counted in ClinVar's aggregate classification.

Joint Genome Diagnostic Labs from Nijmegen and Maastricht, Radboudumc and MUMC+
Classification: Benign. Review status: no assertion criteria provided. Collection method: clinical testing. Allele origin: germline. Affected: yes. Study: VKGL Data-share Consensus. Not counted in ClinVar's aggregate classification.

Laboratory of Diagnostic Genome Analysis, Leiden University Medical Center (LUMC)
Classification: Likely benign. Review status: no assertion criteria provided. Collection method: clinical testing. Allele origin: germline. Affected: yes. Study: VKGL Data-share Consensus. Not counted in ClinVar's aggregate classification.